The following is an entry in ClinVar:

ClinVar aggregate classification (germline): Likely benign. Review status: criteria provided, multiple submitters, no conflicts (2 of 4 stars). 4 submissions from 4 submitters: Likely benign (4). Last evaluated 2026-05-01.

Allele frequency attached by ClinVar (database versions not stated): ExAC 0.00121.

Submissions (12):

CeGaT Center for Human Genetics Tuebingen
Classification: Likely benign. Last evaluated: 2026-05-01. Review status: criteria provided, single submitter. Criteria: CeGaT Center For Human Genetics Tuebingen Variant Classification Criteria Version 2. Collection method: clinical testing. Allele origin: germline. Affected: yes. Observed: 1 variant allele.
Comment: ADGRV1: BP4

Labcorp Genetics (formerly Invitae), Labcorp
Classification: Likely benign. Last evaluated: 2024-03-07. Review status: criteria provided, single submitter. Criteria: Invitae Variant Classification Sherloc (09022015). Collection method: clinical testing. Allele origin: germline.

Blueprint Genetics
Classification: Likely benign. Last evaluated: 2021-10-28. Review status: criteria provided, single submitter. Criteria: ACMG Guidelines, 2015. Collection method: clinical testing. Allele origin: germline.

GeneDx
Classification: Likely benign. Last evaluated: 2018-04-09. Review status: criteria provided, single submitter. Criteria: GeneDx Variant Classification (06012015). Collection method: clinical testing. Allele origin: germline. Affected: yes.
Comment: This variant is considered likely benign or benign based on one or more of the following criteria: it is a conservative change, it occurs at a poorly conserved position in the protein, it is predicted to be benign by multiple in silico algorithms, and/or has population frequency not consistent with disease.

Dr. Peter K. Rogan Lab, Western University
No classification provided (evidence only). Condition: Familial cancer of breast. Review status: no classification provided. Collection method: in vitro. Allele origin: not applicable. Functional consequence: skipped exon. Not counted in ClinVar's aggregate classification.

Dr. Peter K. Rogan Lab, Western University
No classification provided (evidence only). Condition: Familial cancer of breast. Review status: no classification provided. Collection method: in vitro. Allele origin: not applicable. Functional consequence: skipped exon, retained intron. Not counted in ClinVar's aggregate classification.

Dr. Peter K. Rogan Lab, Western University
No classification provided (evidence only). Condition: Uterine corpus endometrial carcinoma. Review status: no classification provided. Collection method: in vitro. Allele origin: not applicable. Functional consequence: retained intron. Not counted in ClinVar's aggregate classification.

Dr. Peter K. Rogan Lab, Western University
No classification provided (evidence only). Condition: Uterine corpus endometrial carcinoma. Review status: no classification provided. Collection method: in vitro. Allele origin: not applicable. Functional consequence: retained intron. Not counted in ClinVar's aggregate classification.

Dr. Peter K. Rogan Lab, Western University
No classification provided (evidence only). Condition: Thymoma. Review status: no classification provided. Collection method: in vitro. Allele origin: not applicable. Functional consequence: retained intron. Not counted in ClinVar's aggregate classification.

Dr. Peter K. Rogan Lab, Western University
No classification provided (evidence only). Condition: Thymoma. Review status: no classification provided. Collection method: in vitro. Allele origin: not applicable. Functional consequence: skipped exon, retained intron. Not counted in ClinVar's aggregate classification.

Dr. Peter K. Rogan Lab, Western University
No classification provided (evidence only). Condition: Malignant tumor of esophagus. Review status: no classification provided. Collection method: in vitro. Allele origin: not applicable. Functional consequence: skipped exon. Not counted in ClinVar's aggregate classification.

Dr. Peter K. Rogan Lab, Western University
No classification provided (evidence only). Condition: Malignant tumor of esophagus. Review status: no classification provided. Collection method: in vitro. Allele origin: not applicable. Functional consequence: skipped exon. Not counted in ClinVar's aggregate classification.

NM_032119.4(ADGRV1):c.18433-4G>T

Gene: ADGRV1 (adhesion G protein-coupled receptor V1; plus strand). Cytogenetic location: 5q14.3.
Variant type: single nucleotide variant.
Coding change: c.18433-4G>T on transcript NM_032119.4 (MANE Select); 4 bases into the intron before coding-DNA position 18433, G replaced by T.
Molecular consequence: intron variant.
Genome position (GRCh38, 1-based): chr5:91,150,026, G>T. VCF-style: chr5-91150026-G-T. GRCh37 (hg19) VCF-style: chr5-90445843-G-T.
Identifiers: ClinVar variation 677491 (VCV000677491.14), dbSNP rs775706409, ClinGen allele CA3342662.